The following is an entry in ClinVar:

NM_001040108.2(MLH3):c.141G>A (p.Met47Ile)

Gene: MLH3 (mutL homolog 3; minus strand). Cytogenetic location: 14q24.3.
Variant type: single nucleotide variant.
Coding change: c.141G>A on transcript NM_001040108.2 (MANE Select); coding-DNA position 141, G replaced by A.
Protein change: p.Met47Ile; replaces methionine 47 with isoleucine.
Molecular consequence: missense variant.
Genome position (GRCh38, 1-based): chr14:75,049,515, C>T on the plus strand (G>A on the coding strand, the complement: MLH3 is on the minus strand). VCF-style: chr14-75049515-C-T. GRCh37 (hg19) VCF-style: chr14-75516218-C-T.
Other names: c.141G>A, p.Met47Ile (NM_014381.3); short protein forms M47I.
Identifiers: ClinVar variation 1772223 (VCV001772223.5), dbSNP rs2139612633, ClinGen allele CA390451496.

ClinVar aggregate classification (germline): Uncertain significance. Review status: criteria provided, multiple submitters, no conflicts (2 of 4 stars). 2 submissions from 2 submitters: Uncertain significance (2). Last evaluated 2023-12-08.

Conditions:
Colorectal cancer, hereditary nonpolyposis, type 7. Identifiers: Orphanet 144, MedGen C1858380, MONDO:0013725, OMIM 614385.

Allele frequency attached by ClinVar (database versions not stated): gnomAD exomes below 0.00001.
gnomAD v4.1: 3 of 1,614,162 alleles (0.00019%); highest among the groups gnomAD compares: African/African-American, 0.0027%; no homozygotes.

Submissions (2):

Ambry Genetics
Classification: Uncertain significance. Last evaluated: 2023-12-08. Review status: criteria provided, single submitter. Criteria: Ambry Variant Classification Scheme 2023. Collection method: clinical testing. Allele origin: germline.
Comment: The p.M47I variant (also known as c.141G>A), located in coding exon 1 of the MLH3 gene, results from a G to A substitution at nucleotide position 141. The methionine at codon 47 is replaced by isoleucine, an amino acid with highly similar properties. This amino acid position is conserved. In addition, this alteration is predicted to be tolerated by in silico analysis. Since supporting evidence is limited at this time, the clinical significance of this alteration remains unclear.

Labcorp Genetics (formerly Invitae), Labcorp
Classification: Uncertain significance for Colorectal cancer, hereditary nonpolyposis, type 7. Last evaluated: 2023-06-27. Review status: criteria provided, single submitter. Criteria: Invitae Variant Classification Sherloc (09022015). Collection method: clinical testing. Allele origin: germline.
Comment: In summary, the available evidence is currently insufficient to determine the role of this variant in disease. Therefore, it has been classified as a Variant of Uncertain Significance. An algorithm developed to predict the effect of missense changes on protein structure and function (PolyPhen-2) suggests that this variant is likely to be tolerated. ClinVar contains an entry for this variant (Variation ID: 1772223). This variant has not been reported in the literature in individuals affected with MLH3-related conditions. This variant is not present in population databases (gnomAD no frequency). This sequence change replaces methionine, which is neutral and non-polar, with isoleucine, which is neutral and non-polar, at codon 47 of the MLH3 protein (p.Met47Ile).